The following is an entry in ClinVar:

NM_001127464.1:c.9550G>A

Gene: ZNF469 (zinc finger protein 469; plus strand).
Variant type: single nucleotide variant.
Identifiers: ClinVar variation 4209180 (VCV004209180.1).

ClinVar aggregate classification (germline): Uncertain significance (1 of 4 stars; one submission).

Conditions:
Cardiovascular phenotype. Identifiers: MedGen CN230736.

Submission:

Ambry Genetics
Classification: Uncertain significance for Cardiovascular phenotype. Last evaluated: 2025-07-28. Review status: criteria provided, single submitter. Criteria: Ambry Variant Classification Scheme 2023. Collection method: clinical testing. Allele origin: germline.
Comment: The p.G3184R variant (also known as c.9550G>A), located in coding exon 2 of the ZNF469 gene, results from a G to A substitution at nucleotide position 9550. The glycine at codon 3184 is replaced by arginine, an amino acid with dissimilar properties. This amino acid position is conserved. In addition, this alteration is predicted to be tolerated by in silico analysis. Based on the available evidence, the clinical significance of this variant remains unclear.